The following is an entry in ClinVar:

ClinVar aggregate classification (germline): Uncertain significance (1 of 4 stars; one submission).

Conditions:
Cystic fibrosis (CF). Also called: MUCOVISCIDOSIS. Identifiers: Orphanet 586, MedGen C0010674, MONDO:0009061, OMIM 219700. Disease mechanism: loss of function.

Submission:

Ambry Genetics
Classification: Uncertain significance for Cystic fibrosis. Last evaluated: 2025-06-26. Review status: criteria provided, single submitter. Criteria: Ambry Variant Classification Scheme 2023. Collection method: clinical testing. Allele origin: germline.
Comment: The p.N1083D variant (also known as c.3247A>G), located in coding exon 20 of the CFTR gene, results from an A to G substitution at nucleotide position 3247. The asparagine at codon 1083 is replaced by aspartic acid, an amino acid with highly similar properties. This amino acid position is conserved. In addition, the in silico prediction for this alteration is inconclusive. Since supporting evidence is limited at this time, the clinical significance of this alteration remains unclear.

NM_000492.4(CFTR):c.3247A>G (p.Asn1083Asp)

Genes: CFTR (CF transmembrane conductance regulator; plus strand), CFTR-AS2 (CFTR antisense RNA 2; minus strand), LOC111674472 (DNase I hypersensitive sites in introns 16 and 17a of CFTR; plus strand). Cytogenetic location: 7q31.2.
Variant type: single nucleotide variant.
Coding change: c.3247A>G on transcript NM_000492.4 (MANE Select); coding-DNA position 3247, A replaced by G.
Protein change: p.Asn1083Asp; replaces asparagine 1083 with aspartic acid.
Molecular consequence: missense variant.
Genome position (GRCh38, 1-based): chr7:117,611,688, A>G. VCF-style: chr7-117611688-A-G. GRCh37 (hg19) VCF-style: chr7-117251742-A-G.
Other names: short protein forms N1083D.
Identifiers: ClinVar variation 1729353 (VCV001729353.3), dbSNP rs2485130423, ClinGen allele CA368992240.